The following is an entry in ClinVar:

ClinVar aggregate classification (germline): Likely benign. Review status: criteria provided, multiple submitters, no conflicts (2 of 4 stars). 4 submissions from 4 submitters: Likely benign (4). Last evaluated 2026-08-19.

Conditions:
Cardiomyopathy (CMYO). Also called: Cardiomyopathies. Identifiers: Orphanet 167848, MedGen C0878544, MONDO:0004994, HP:0001638. Inheritance: Various modes of inheritance.
Catecholaminergic polymorphic ventricular tachycardia 1. Also called: VENTRICULAR TACHYCARDIA, CATECHOLAMINERGIC POLYMORPHIC, 1, WITH OR WITHOUT ATRIAL DYSFUNCTION AND/OR DILATED CARDIOMYOPATHY; RYR2-Related Catecholaminergic Polymorphic Ventricular Tachycardia; VENTRICULAR TACHYCARDIA, STRESS-INDUCED POLYMORPHIC 1. Identifiers: Orphanet 3286, MedGen C1631597, MONDO:0011484, OMIM 604772.
Cardiovascular phenotype. Identifiers: MedGen CN230736.
Catecholaminergic polymorphic ventricular tachycardia (CVPT). Also called: Catecholamine-induced polymorphic ventricular tachycardia. Identifiers: Orphanet 3286, MedGen C5574922, MONDO:0017990.

Allele frequency attached by ClinVar (database versions not stated): gnomAD exomes below 0.00001 and 0.00001; gnomAD 0.00001; TOPMed 0.00001.
gnomAD v4.1: 4 of 1,613,762 alleles (0.00025%); highest among the groups gnomAD compares: African/African-American, 0.0027%; no homozygotes.

Submissions (4):

Ambry Genetics
Classification: Likely benign for Cardiovascular phenotype. Last evaluated: 2026-08-19. Review status: criteria provided, single submitter. Criteria: Ambry Variant Classification Scheme 2023. Collection method: clinical testing. Allele origin: germline.

Labcorp Genetics (formerly Invitae), Labcorp
Classification: Likely benign for Catecholaminergic polymorphic ventricular tachycardia 1. Last evaluated: 2025-07-22. Review status: criteria provided, single submitter. Criteria: Invitae Variant Classification Sherloc (09022015). Collection method: clinical testing. Allele origin: germline.

All of Us Research Program, National Institutes of Health
Classification: Likely benign for Catecholaminergic polymorphic ventricular tachycardia. Last evaluated: 2023-10-06. Review status: criteria provided, single submitter. Criteria: ACMG Guidelines, 2015. Collection method: clinical testing. Allele origin: germline. Inheritance: Autosomal dominant inheritance. Observed: 2 variant alleles, 2 heterozygotes.
Comment: This study involves interpretation of variants in research participants for the purpose of population health screening. Participant phenotype was not available at the time of variant classification. Additional details can be found in publication PMID: 35346344, PMCID: PMC8962531

Color Diagnostics, LLC DBA Color Health
Classification: Likely benign for Cardiomyopathy. Last evaluated: 2023-04-19. Review status: criteria provided, single submitter. Criteria: ACMG Guidelines, 2015. Collection method: clinical testing. Allele origin: germline.

NM_001035.3(RYR2):c.12906C>T (p.Phe4302=)

Genes: RYR2 (ryanodine receptor 2; plus strand), LOC126806068 (BRD4-independent group 4 enhancer GRCh37_chr1:237947411-237948610; plus strand). Cytogenetic location: 1q43.
Variant type: single nucleotide variant.
Coding change: c.12906C>T on transcript NM_001035.3 (MANE Select); coding-DNA position 12906, C replaced by T.
Protein change: p.Phe4302=; no amino-acid change (phenylalanine 4302 retained).
Molecular consequence: synonymous variant.
Genome position (GRCh38, 1-based): chr1:237,784,618, C>T. VCF-style: chr1-237784618-C-T. GRCh37 (hg19) VCF-style: chr1-237947918-C-T.
Identifiers: ClinVar variation 793682 (VCV000793682.15), dbSNP rs1265667422, ClinGen allele CA424032442.